The following is an entry in ClinVar:

NM_003738.5(PTCH2):c.832G>A (p.Glu278Lys)

Gene: PTCH2 (patched 2; minus strand). Cytogenetic location: 1p34.1.
Variant type: single nucleotide variant.
Coding change: c.832G>A on transcript NM_003738.5 (MANE Select); coding-DNA position 832, G replaced by A.
Protein change: p.Glu278Lys; replaces glutamic acid 278 with lysine.
Molecular consequence: missense variant.
Genome position (GRCh38, 1-based): chr1:44,830,012, C>T on the plus strand (G>A on the coding strand, the complement: PTCH2 is on the minus strand). VCF-style: chr1-44830012-C-T. GRCh37 (hg19) VCF-style: chr1-45295684-C-T.
Other names: c.832G>A, p.Glu278Lys (NM_001166292.2); short protein forms E278K.
Identifiers: ClinVar variation 1172747 (VCV001172747.9), dbSNP rs749103409, ClinGen allele CA823509.

ClinVar aggregate classification (germline): Uncertain significance. Review status: criteria provided, multiple submitters, no conflicts (2 of 4 stars). 2 submissions from 2 submitters: Uncertain significance (2). Last evaluated 2025-03-23.

Conditions:
Gorlin syndrome. Also called: Basal cell nevus syndrome; Nevoid Basal Cell Carcinoma Syndrome. Identifiers: Orphanet 377, MedGen C0004779, MONDO:0007187.

Allele frequency attached by ClinVar (database versions not stated): ExAC 0.00001; gnomAD exomes 0.00001 and 0.00002; gnomAD 0.00002 and 0.00003; TOPMed 0.00003.
gnomAD v4.1: 27 of 1,613,992 alleles (0.0017%); highest among the groups gnomAD compares: African/African-American, 0.008%; no homozygotes.

Submissions (2):

Labcorp Genetics (formerly Invitae), Labcorp
Classification: Uncertain significance for Gorlin syndrome. Last evaluated: 2025-03-23. Review status: criteria provided, single submitter. Criteria: Invitae Variant Classification Sherloc (09022015). Collection method: clinical testing. Allele origin: germline.
Comment: This sequence change replaces glutamic acid, which is acidic and polar, with lysine, which is basic and polar, at codon 278 of the PTCH2 protein (p.Glu278Lys). This variant is present in population databases (rs749103409, gnomAD 0.01%). This variant has not been reported in the literature in individuals affected with PTCH2-related conditions. ClinVar contains an entry for this variant (Variation ID: 1172747). Invitae Evidence Modeling of protein sequence and biophysical properties (such as structural, functional, and spatial information, amino acid conservation, physicochemical variation, residue mobility, and thermodynamic stability) indicates that this missense variant is not expected to disrupt PTCH2 protein function with a negative predictive value of 80%. In summary, the available evidence is currently insufficient to determine the role of this variant in disease. Therefore, it has been classified as a Variant of Uncertain Significance.

St. Jude Molecular Pathology, St. Jude Children's Research Hospital
Classification: Uncertain significance for Gorlin syndrome. Last evaluated: 2021-05-27. Review status: criteria provided, single submitter. Criteria: St. Jude Assertion Criteria 2020. Collection method: clinical testing. Allele origin: germline.
Comment: The PTCH2 c.832G>A (p.Glu278Lys) missense change has a maximum subpopulation frequency of 0.012% in gnomAD v2.1.1. In silico tools are not in agreement about the effect of this variant on protein function, but to our knowledge these predictions have not been confirmed by functional assays. To our knowledge, this variant has not been reported in individuals with Gorlin syndrome. In summary, this variant meets criteria to be classified as of uncertain significance based on the ACMG/AMP criteria: no criteria met.